The following is an entry in ClinVar:

NM_003737.4(DCHS1):c.4295A>T (p.His1432Leu)

Gene: DCHS1 (dachsous cadherin-related 1; minus strand). Cytogenetic location: 11p15.4.
Variant type: single nucleotide variant.
Coding change: c.4295A>T on transcript NM_003737.4 (MANE Select); coding-DNA position 4295, A replaced by T.
Protein change: p.His1432Leu; replaces histidine 1432 with leucine.
Molecular consequence: missense variant.
Genome position (GRCh38, 1-based): chr11:6,630,499, T>A on the plus strand (A>T on the coding strand, the complement: DCHS1 is on the minus strand). VCF-style: chr11-6630499-T-A. GRCh37 (hg19) VCF-style: chr11-6651730-T-A.
Other names: short protein forms H1432L.
Identifiers: ClinVar variation 1718761 (VCV001718761.5), dbSNP rs1855886812, ClinGen allele CA379406191.

ClinVar aggregate classification (germline): Uncertain significance (1 of 4 stars; one submission).

Allele frequency attached by ClinVar (database versions not stated): TOPMed below 0.00001; gnomAD 0.00001.
gnomAD v4.1: 2 of 1,538,012 alleles (0.00013%); highest among the groups gnomAD compares: Non-Finnish European, 0.00017%; no homozygotes.

Submission:

Labcorp Genetics (formerly Invitae), Labcorp
Classification: Uncertain significance. Last evaluated: 2022-10-04. Review status: criteria provided, single submitter. Criteria: Invitae Variant Classification Sherloc (09022015). Collection method: clinical testing. Allele origin: germline.
Comment: In summary, the available evidence is currently insufficient to determine the role of this variant in disease. Therefore, it has been classified as a Variant of Uncertain Significance. Advanced modeling of protein sequence and biophysical properties (such as structural, functional, and spatial information, amino acid conservation, physicochemical variation, residue mobility, and thermodynamic stability) performed at Invitae indicates that this missense variant is not expected to disrupt DCHS1 protein function. This variant has not been reported in the literature in individuals affected with DCHS1-related conditions. This variant is not present in population databases (gnomAD no frequency). This sequence change replaces histidine, which is basic and polar, with leucine, which is neutral and non-polar, at codon 1432 of the DCHS1 protein (p.His1432Leu).